The following is an entry in ClinVar:

NM_054012.4(ASS1):c.502G>A (p.Gly168Arg)

Gene: ASS1 (argininosuccinate synthase 1; plus strand). Cytogenetic location: 9q34.11.
Variant type: single nucleotide variant.
Coding change: c.502G>A on transcript NM_054012.4 (MANE Select); coding-DNA position 502, G replaced by A.
Protein change: p.Gly168Arg; replaces glycine 168 with arginine.
Molecular consequence: missense variant.
Genome position (GRCh38, 1-based): chr9:130,470,840, G>A. VCF-style: chr9-130470840-G-A. GRCh37 (hg19) VCF-style: chr9-133346227-G-A.
Other names: c.502G>A, p.Gly168Arg (NM_000050.4); short protein forms G168R.
Identifiers: ClinVar variation 2182994 (VCV002182994.3), dbSNP rs763449750, ClinGen allele CA5283327.

ClinVar aggregate classification (germline): Uncertain significance (1 of 4 stars; one submission).

Conditions:
Citrullinemia. Identifiers: Orphanet 187, MedGen C0175683, MONDO:0015991.

Allele frequency attached by ClinVar (database versions not stated): gnomAD exomes 0.00001; ExAC 0.00002.
gnomAD v4.1: 7 of 1,614,036 alleles (0.00043%); highest among the groups gnomAD compares: Non-Finnish European, 0.00034%; no homozygotes.

Submission:

Labcorp Genetics (formerly Invitae), Labcorp
Classification: Uncertain significance for Citrullinemia. Last evaluated: 2024-11-11. Review status: criteria provided, single submitter. Criteria: Invitae Variant Classification Sherloc (09022015). Collection method: clinical testing. Allele origin: germline.
Comment: This sequence change replaces glycine, which is neutral and non-polar, with arginine, which is basic and polar, at codon 168 of the ASS1 protein (p.Gly168Arg). This variant is present in population databases (rs763449750, gnomAD 0.004%). This variant has not been reported in the literature in individuals affected with ASS1-related conditions. ClinVar contains an entry for this variant (Variation ID: 2182994). Invitae Evidence Modeling of protein sequence and biophysical properties (such as structural, functional, and spatial information, amino acid conservation, physicochemical variation, residue mobility, and thermodynamic stability) indicates that this missense variant is not expected to disrupt ASS1 protein function with a negative predictive value of 80%. In summary, the available evidence is currently insufficient to determine the role of this variant in disease. Therefore, it has been classified as a Variant of Uncertain Significance.